The following is an entry in ClinVar:

NM_017636.4(TRPM4):c.2011G>A (p.Gly671Arg)

Gene: TRPM4 (transient receptor potential cation channel subfamily M member 4; plus strand). Cytogenetic location: 19q13.33.
Variant type: single nucleotide variant.
Coding change: c.2011G>A on transcript NM_017636.4 (MANE Select); coding-DNA position 2011, G replaced by A.
Protein change: p.Gly671Arg; replaces glycine 671 with arginine.
Molecular consequence: missense variant.
Genome position (GRCh38, 1-based): chr19:49,189,083, G>A. VCF-style: chr19-49189083-G-A. GRCh37 (hg19) VCF-style: chr19-49692340-G-A.
Other names: c.2011G>A, p.Gly671Arg (NM_001195227.2); c.1666G>A, p.Gly556Arg (NM_001321281.2); c.403G>A, p.Gly135Arg (NM_001321282.2); c.1489G>A, p.Gly497Arg (NM_001321283.2); c.949G>A, p.Gly317Arg (NM_001321285.2); short protein forms G671R, G317R, G497R, G556R, G135R.
Identifiers: ClinVar variation 935066 (VCV000935066.9), dbSNP rs1968312254, ClinGen allele CA406804250.

ClinVar aggregate classification (germline): Uncertain significance (1 of 4 stars; one submission).

Conditions:
Progressive familial heart block type IB (PFHB1B). Identifiers: Orphanet 871, MedGen C1970298, MONDO:0011474, OMIM 604559.

Submission:

Labcorp Genetics (formerly Invitae), Labcorp
Classification: Uncertain significance for Progressive familial heart block type IB. Last evaluated: 2019-06-06. Review status: criteria provided, single submitter. Criteria: Invitae Variant Classification Sherloc (09022015). Collection method: clinical testing. Allele origin: germline.
Comment: This variant has not been reported in the literature in individuals with TRPM4-related conditions. This variant is not present in population databases (ExAC no frequency). This sequence change replaces glycine with arginine at codon 671 of the TRPM4 protein (p.Gly671Arg). The glycine residue is highly conserved and there is a moderate physicochemical difference between glycine and arginine. Algorithms developed to predict the effect of missense changes on protein structure and function are either unavailable or do not agree on the potential impact of this missense change (SIFT: "Tolerated"; PolyPhen-2: "Probably Damaging"; Align-GVGD: "Class C0"). In summary, the available evidence is currently insufficient to determine the role of this variant in disease. Therefore, it has been classified as a Variant of Uncertain Significance. Algorithms developed to predict the effect of sequence changes on RNA splicing suggest that this variant may create or strengthen a splice site, but this prediction has not been confirmed by published transcriptional studies.